The following is an entry in ClinVar:

ClinVar aggregate classification (germline): Likely pathogenic. Review status: criteria provided, multiple submitters, no conflicts (2 of 4 stars). 2 submissions from 2 submitters: Likely pathogenic (2). Last evaluated 2024-05-18.

Conditions:
Cholesteryl ester storage disease (CESD). Also called: Childhood/Adult-Onset LAL-D (Cholesterol Ester Storage Disease [CESD]). Identifiers: Orphanet 75234, MedGen C0008384, MONDO:0019149, OMIM 278000.
Wolman disease (WOLD). Also called: Acid cholesteryl ester hydrolase deficiency, Wolman type; Acid lipase disease; LYSOSOMAL ACID LIPASE DEFICIENCY, ACUTE INFANTILE; LYSOSOMAL ACID LIPASE DEFICIENCY, COMPLETE; LIPA DEFICIENCY, COMPLETE; LAL DEFICIENCY, COMPLETE. Identifiers: Orphanet 75233, MedGen C0043208, MONDO:0019148, OMIM 620151.
Lysosomal acid lipase deficiency. Also called: Acid cholesteryl ester hydrolase deficiency, type 2. Identifiers: Orphanet 275761, MedGen C5574740, MONDO:0800449, MONDO:0010204.

Submissions (2):

Fulgent Genetics
Classification: Likely pathogenic for Cholesteryl ester storage disease; Wolman disease. Last evaluated: 2024-05-18. Review status: criteria provided, single submitter. Criteria: ACMG Guidelines, 2015. Collection method: clinical testing. Allele origin: germline.

Myriad Genetics, Inc.
Classification: Likely pathogenic for Cholesteryl ester storage disease. Last evaluated: 2022-03-15. Review status: criteria provided, single submitter. Criteria: Myriad Women's Health Autosomal Recessive and X-Linked Classification Criteria (2021). Collection method: clinical testing. Allele origin: unknown.
Comment: NM_000235.2(LIPA):c.871C>T(Q291*) is expected to be pathogenic in the context of lysosomal acid lipase deficiency. This variant is predicted to lead to an abnormal or absent protein product due to the creation of a premature termination codon in LIPA, a gene where loss-of-function variants are known to be pathogenic. Please note: this variant was assessed in the context of healthy population screening.

NM_000235.4(LIPA):c.871C>T (p.Gln291Ter)

Gene: LIPA (lipase A, lysosomal acid type; minus strand). Cytogenetic location: 10q23.31.
Variant type: single nucleotide variant.
Coding change: c.871C>T on transcript NM_000235.4 (MANE Select); coding-DNA position 871, C replaced by T.
Protein change: p.Gln291Ter; replaces glutamine 291 with a stop codon.
Molecular consequence: nonsense.
Genome position (GRCh38, 1-based): chr10:89,222,534, G>A on the plus strand (C>T on the coding strand, the complement: LIPA is on the minus strand). VCF-style: chr10-89222534-G-A. GRCh37 (hg19) VCF-style: chr10-90982291-G-A.
Other names: c.871C>T, p.Gln291Ter (NM_001127605.3); c.523C>T, p.Gln175Ter (NM_001288979.2); short protein forms Q175*, Q291*.
Identifiers: ClinVar variation 1725254 (VCV001725254.3), dbSNP rs754124986, ClinGen allele CA377516694.